The following is an entry in ClinVar:

ClinVar aggregate classification (germline): Benign. Review status: criteria provided, multiple submitters, no conflicts (2 of 4 stars). 5 submissions from 4 submitters: Benign (5). Last evaluated 2024-07-31.

Conditions:
Hyperostosis cranialis interna. Also called: Hyperostosis cranalis interna. Identifiers: Orphanet 443098, MedGen C1840404, MONDO:0007765, OMIM 144755, HP:0005890.
Hypermanganesemia with dystonia 2 (HMNDYT2). Also called: SLC39A14 Deficiency. Identifiers: Orphanet 521406, MedGen C4310765, MONDO:0014864, OMIM 617013.

Allele frequency attached by ClinVar (database versions not stated): ESP Exome Variant Server 0.41727; gnomAD 0.43048; TOPMed 0.44580; 1000 Genomes Project 0.53075; 1000 Genomes Project 30x 0.53264.
gnomAD v4.1: 548,230 of 1,559,452 alleles (35%); highest among the groups gnomAD compares: African/African-American, 63%; 103,116 homozygotes.

Submissions (5):

Unidad de Genómica Garrahan, Hospital de Pediatría Garrahan
Classification: Benign. Last evaluated: 2024-07-31. Review status: criteria provided, single submitter. Criteria: ACMG Guidelines, 2015. Collection method: clinical testing. Allele origin: germline. Affected: no. Observed: 66 variant alleles.
Comment: This variant is classified as Benign based on local population frequency. This variant was detected in 71% of patients studied in a panel designed for Epileptic and Developmental Encephalopathy, Progressive Myoclonus Epilepsy and Abnormal Movements and Neurodegeneration with brain iron accumulation. Number of patients: 66. Only high quality variants are reported.

Genome-Nilou Lab
Classification: Benign for Hyperostosis cranialis interna. Last evaluated: 2021-07-15. Review status: criteria provided, single submitter. Criteria: ACMG Guidelines, 2015. Collection method: clinical testing. Allele origin: germline. Affected: no.

Genome-Nilou Lab
Classification: Benign for Hypermanganesemia with dystonia 2. Last evaluated: 2021-07-15. Review status: criteria provided, single submitter. Criteria: ACMG Guidelines, 2015. Collection method: clinical testing. Allele origin: germline. Affected: no.

GeneDx
Classification: Benign. Last evaluated: 2021-05-15. Review status: criteria provided, single submitter. Criteria: GeneDx Variant Classification Process June 2021. Collection method: clinical testing. Allele origin: germline. Affected: yes.

Breakthrough Genomics
Classification: Benign. Review status: criteria provided, single submitter. Criteria: ACMG Guidelines, 2015. Collection method: not provided. Allele origin: germline. Inheritance: Autosomal recessive inheritance. Affected: yes.

NM_001128431.4(SLC39A14):c.457+45G>T

Gene: SLC39A14 (solute carrier family 39 member 14; plus strand). Cytogenetic location: 8p21.3.
Variant type: single nucleotide variant.
Coding change: c.457+45G>T on transcript NM_001128431.4 (MANE Select); 45 bases into the intron after coding-DNA position 457, G replaced by T.
Molecular consequence: intron variant.
Genome position (GRCh38, 1-based): chr8:22,408,541, G>T. VCF-style: chr8-22408541-G-T. GRCh37 (hg19) VCF-style: chr8-22266054-G-T.
Other names: c.457+45G>T (NM_001135154.3, NM_001351656.2, NM_001351655.2 and 3 more transcripts); c.487+45G>T (NM_001351657.2, NM_001351658.2, NM_001351659.2).
Identifiers: ClinVar variation 1230736 (VCV001230736.8), dbSNP rs3817445, ClinGen allele CA4667318.